The following is an entry in ClinVar:

NM_001374736.1(DST):c.4476-17G>A

Gene: DST (dystonin; minus strand). Cytogenetic location: 6p12.1.
Variant type: single nucleotide variant.
Coding change: c.4476-17G>A on transcript NM_001374736.1 (MANE Select); 17 bases into the intron before coding-DNA position 4476, G replaced by A.
Molecular consequence: intron variant.
Genome position (GRCh38, 1-based): chr6:56,628,178, C>T on the plus strand (G>A on the coding strand, the complement: DST is on the minus strand). VCF-style: chr6-56628178-C-T. GRCh37 (hg19) VCF-style: chr6-56492976-C-T.
Other names: c.4377-17G>A (NM_001144769.5); c.4476-17G>A (NM_001374722.1); c.4503-17G>A (NM_001374734.1); c.3963-17G>A (NM_001144770.2); c.3843-17G>A (NM_001374730.1, NM_001386100.1, NM_183380.4 and 1 more transcripts); c.2865-17G>A (NM_015548.5, NM_001723.7).
Identifiers: ClinVar variation 2049677 (VCV002049677.4), dbSNP rs760309409, ClinGen allele CA3870884.

ClinVar aggregate classification (germline): Uncertain significance (1 of 4 stars; one submission).

Conditions:
Hereditary sensory and autonomic neuropathy type 6. Also called: Neuropathy, hereditary sensory and autonomic, type VI; HSAN VI. Identifiers: Orphanet 314381, MedGen C3539003, MONDO:0013839, OMIM 614653.
Epidermolysis bullosa simplex 3, localized or generalized intermediate, with BP230 deficiency (EBS3). Also called: Epidermolysis bullosa simplex, autosomal recessive 2; Epidermolysis bullosa simplex due to BP230 deficiency. Identifiers: Orphanet 412181, MedGen C3809470, MONDO:0014180, OMIM 615425.

Allele frequency attached by ClinVar (database versions not stated): gnomAD exomes below 0.00001; ExAC 0.00001.
gnomAD v4.1: 5 of 1,609,946 alleles (0.00031%); highest among the groups gnomAD compares: Middle Eastern, 0.017%; no homozygotes.

Submission:

Labcorp Genetics (formerly Invitae), Labcorp
Classification: Uncertain significance for Epidermolysis bullosa simplex 3, localized or generalized intermediate, with BP230 deficiency; Hereditary sensory and autonomic neuropathy type 6. Last evaluated: 2022-09-27. Review status: criteria provided, single submitter. Criteria: Invitae Variant Classification Sherloc (09022015). Collection method: clinical testing. Allele origin: germline.
Comment: This variant is present in population databases (rs760309409, gnomAD 0.003%). This variant has not been reported in the literature in individuals affected with DST-related conditions. Algorithms developed to predict the effect of sequence changes on RNA splicing suggest that this variant may create or strengthen a splice site. In summary, the available evidence is currently insufficient to determine the role of this variant in disease. Therefore, it has been classified as a Variant of Uncertain Significance. This sequence change falls in intron 18 of the DST gene. It does not directly change the encoded amino acid sequence of the DST protein.